The following is an entry in ClinVar:

NM_002242.4(KCNJ13):c.683G>C (p.Gly228Ala)

Genes: GIGYF2 (GRB10 interacting GYF protein 2; plus strand), KCNJ13 (potassium inwardly rectifying channel subfamily J member 13; minus strand). Cytogenetic location: 2q37.1.
Variant type: single nucleotide variant.
Coding change: c.683G>C on transcript NM_002242.4 (MANE Select); coding-DNA position 683, G replaced by C.
Protein change: p.Gly228Ala; replaces glycine 228 with alanine.
Molecular consequence: missense variant. On other transcripts: 3 prime UTR variant (1), intron variant (4).
Genome position (GRCh38, 1-based): chr2:232,768,591, C>G on the plus strand (G>C on the coding strand, the complement: KCNJ13 is on the minus strand). VCF-style: chr2-232768591-C-G. GRCh37 (hg19) VCF-style: chr2-233633301-C-G.
Other names: c.*162G>C (NM_001172416.1); c.443G>C, p.Gly148Ala (NM_001172417.1); c.532+7155C>G (NM_001103146.3, NM_015575.4, NM_001103147.2 and 1 more transcripts); short protein forms G148A, G228A.
Identifiers: ClinVar variation 2130103 (VCV002130103.4), dbSNP rs1375760095, ClinGen allele CA351009762.

ClinVar aggregate classification (germline): Uncertain significance (1 of 4 stars; one submission).

Submission:

Labcorp Genetics (formerly Invitae), Labcorp
Classification: Uncertain significance. Last evaluated: 2022-05-03. Review status: criteria provided, single submitter. Criteria: Invitae Variant Classification Sherloc (09022015). Collection method: clinical testing. Allele origin: germline.
Comment: Algorithms developed to predict the effect of missense changes on protein structure and function are either unavailable or do not agree on the potential impact of this missense change (SIFT: "Deleterious"; PolyPhen-2: "Benign"; Align-GVGD: "Class C0"). In summary, the available evidence is currently insufficient to determine the role of this variant in disease. Therefore, it has been classified as a Variant of Uncertain Significance. This sequence change replaces glycine, which is neutral and non-polar, with alanine, which is neutral and non-polar, at codon 228 of the KCNJ13 protein (p.Gly228Ala). This variant is not present in population databases (gnomAD no frequency). This variant has not been reported in the literature in individuals affected with KCNJ13-related conditions.